The following is an entry in ClinVar:

NM_001365536.1(SCN9A):c.2231C>A (p.Pro744His)

Genes: SCN9A (sodium voltage-gated channel alpha subunit 9; minus strand), SCN1A-AS1 (SCN1A and SCN9A antisense RNA 1; plus strand). Cytogenetic location: 2q24.3.
Variant type: single nucleotide variant.
Coding change: c.2231C>A on transcript NM_001365536.1 (MANE Select); coding-DNA position 2231, C replaced by A.
Protein change: p.Pro744His; replaces proline 744 with histidine.
Molecular consequence: missense variant.
Genome position (GRCh38, 1-based): chr2:166,280,469, G>T on the plus strand (C>A on the coding strand, the complement: SCN9A is on the minus strand). VCF-style: chr2-166280469-G-T. GRCh37 (hg19) VCF-style: chr2-167136979-G-T.
Other names: c.2198C>A, p.Pro733His (NM_002977.4); short protein forms P733H, P744H.
Identifiers: ClinVar variation 2923526 (VCV002923526.3), dbSNP rs2468019371, ClinGen allele CA349079667.

ClinVar aggregate classification (germline): Uncertain significance (1 of 4 stars; one submission).

Conditions:
Generalized epilepsy with febrile seizures plus, type 7 (GEFSP7). Also called: GEFS+, TYPE 7. Identifiers: Orphanet 36387, MedGen C2751778, MONDO:0013470, OMIM 613863.
Neuropathy, hereditary sensory and autonomic, type 2A (HSAN2A). Also called: ACROOSTEOLYSIS, GIACCAI TYPE; ACROOSTEOLYSIS, NEUROGENIC; HSAN IIA; WNK1-Related HSAN2 (HSAN2A); MORVAN DISEASE; NEUROPATHY, CONGENITAL SENSORY. Identifiers: Orphanet 970, MedGen C2752089, MONDO:0024309, OMIM 201300.

Submission:

Labcorp Genetics (formerly Invitae), Labcorp
Classification: Uncertain significance for Neuropathy, hereditary sensory and autonomic, type 2A; Generalized epilepsy with febrile seizures plus, type 7. Last evaluated: 2022-11-01. Review status: criteria provided, single submitter. Criteria: Invitae Variant Classification Sherloc (09022015). Collection method: clinical testing. Allele origin: germline.
Comment: Algorithms developed to predict the effect of missense changes on protein structure and function (SIFT, PolyPhen-2, Align-GVGD) all suggest that this variant is likely to be disruptive. This sequence change replaces proline, which is neutral and non-polar, with histidine, which is basic and polar, at codon 733 of the SCN9A protein (p.Pro733His). This variant is not present in population databases (gnomAD no frequency). This variant has not been reported in the literature in individuals affected with SCN9A-related conditions. In summary, the available evidence is currently insufficient to determine the role of this variant in disease. Therefore, it has been classified as a Variant of Uncertain Significance.